The following is an entry in ClinVar:

ClinVar aggregate classification (germline): Uncertain significance. Review status: criteria provided, multiple submitters, no conflicts (2 of 4 stars). 2 submissions from 2 submitters: Uncertain significance (2). Last evaluated 2025-12-16.

Conditions:
Familial cancer of breast. Also called: Hereditary breast cancer; hereditary breast carcinoma; BREAST CANCER, FAMILIAL. Identifiers: Orphanet 227535, MedGen C0346153, MONDO:0016419, OMIM 114480. Disease mechanism: loss of function.
Hereditary cancer-predisposing syndrome. Also called: Neoplastic Syndromes, Hereditary; Hereditary neoplastic syndrome; Tumor predisposition; Hereditary Cancer Syndrome. Identifiers: Orphanet 140162, MedGen C0027672, MeSH D009386, MONDO:0015356.

Submissions (2):

Ambry Genetics
Classification: Uncertain significance for Hereditary cancer-predisposing syndrome. Last evaluated: 2025-12-16. Review status: criteria provided, single submitter. Criteria: Ambry Variant Classification Scheme 2023. Collection method: clinical testing. Allele origin: germline.
Comment: The p.C628S variant (also known as c.1882T>A), located in coding exon 9 of the BARD1 gene, results from a T to A substitution at nucleotide position 1882. The cysteine at codon 628 is replaced by serine, an amino acid with dissimilar properties. This amino acid position is conserved. In addition, the in silico prediction for this alteration is inconclusive. Based on the available evidence, the clinical significance of this variant remains unclear.

Labcorp Genetics (formerly Invitae), Labcorp
Classification: Uncertain significance for Familial cancer of breast. Last evaluated: 2025-08-06. Review status: criteria provided, single submitter. Criteria: Invitae Variant Classification Sherloc (09022015). Collection method: clinical testing. Allele origin: germline.
Comment: This sequence change replaces cysteine, which is neutral and slightly polar, with serine, which is neutral and polar, at codon 628 of the BARD1 protein (p.Cys628Ser). This variant is not present in population databases (gnomAD no frequency). This variant has not been reported in the literature in individuals affected with BARD1-related conditions. An algorithm developed to predict the effect of missense changes on protein structure and function (PolyPhen-2) suggests that this variant is likely to be disruptive. In summary, the available evidence is currently insufficient to determine the role of this variant in disease. Therefore, it has been classified as a Variant of Uncertain Significance.

NM_000465.4(BARD1):c.1882T>A (p.Cys628Ser)

Gene: BARD1 (BRCA1 associated RING domain 1; minus strand). Cytogenetic location: 2q35.
Variant type: single nucleotide variant.
Coding change: c.1882T>A on transcript NM_000465.4 (MANE Select); coding-DNA position 1882, T replaced by A.
Protein change: p.Cys628Ser; replaces cysteine 628 with serine.
Molecular consequence: missense variant. On other transcripts: non-coding transcript variant (3), intron variant (1).
Genome position (GRCh38, 1-based): chr2:214,745,088, A>T on the plus strand (T>A on the coding strand, the complement: BARD1 is on the minus strand). VCF-style: chr2-214745088-A-T. GRCh37 (hg19) VCF-style: chr2-215609812-A-T.
Other names: c.1882T>A (NM_000465.2); c.1825T>A, p.Cys609Ser (NM_001282543.2); c.529T>A, p.Cys177Ser (NM_001282545.2); c.472T>A, p.Cys158Ser (NM_001282548.2); c.365-14580T>A (NM_001282549.2); short protein forms C628S, C158S, C177S, C609S.
Identifiers: ClinVar variation 4753156 (VCV004753156.2).
Genomic context (GRCh38, chr2:214,745,088, plus strand): 5'-TCTAATTCATTTCTTAATTCTCTCAAATCCAACACTTACATTCAAATTTTAGAATCCAGC[A>T]TCCATTGAGAATCCCAAGCATACACTTCAAGGTACTTTGAACTGCATCACCAGGAACAAC-3'
Protein context (NP_000456.2, residues 618-638): LKCMLGILNG[Cys628Ser]WILKFEWVKA